The following is an entry in ClinVar:

ClinVar aggregate classification (germline): Uncertain significance (1 of 4 stars; one submission).

Conditions:
Cardiovascular phenotype. Identifiers: MedGen CN230736.

gnomAD v4.1: 6 of 1,613,948 alleles (0.00037%); highest among the groups gnomAD compares: African/African-American, 0.008%; no homozygotes.

Submission:

Ambry Genetics
Classification: Uncertain significance for Cardiovascular phenotype. Last evaluated: 2024-08-12. Review status: criteria provided, single submitter. Criteria: Ambry Variant Classification Scheme 2023. Collection method: clinical testing. Allele origin: germline.
Comment: The p.Y1020C variant (also known as c.3059A>G), located in coding exon 20 of the APOB gene, results from an A to G substitution at nucleotide position 3059. The tyrosine at codon 1020 is replaced by cysteine, an amino acid with highly dissimilar properties. This amino acid position is conserved. In addition, the in silico prediction for this alteration is inconclusive. Based on the available evidence, the clinical significance of this variant remains unclear.

NM_000384.3(APOB):c.3059A>G (p.Tyr1020Cys)

Gene: APOB (apolipoprotein B; minus strand). Cytogenetic location: 2p24.1.
Variant type: single nucleotide variant.
Coding change: c.3059A>G on transcript NM_000384.3 (MANE Select); coding-DNA position 3059, A replaced by G.
Protein change: p.Tyr1020Cys; replaces tyrosine 1020 with cysteine.
Molecular consequence: missense variant.
Genome position (GRCh38, 1-based): chr2:21,019,054, T>C on the plus strand (A>G on the coding strand, the complement: APOB is on the minus strand). VCF-style: chr2-21019054-T-C. GRCh37 (hg19) VCF-style: chr2-21241926-T-C.
Other names: short protein forms Y1020C.
Identifiers: ClinVar variation 3415787 (VCV003415787.1).